The following is an entry in ClinVar:

ClinVar aggregate classification (germline): Uncertain significance. Review status: criteria provided, multiple submitters, no conflicts (2 of 4 stars). 3 submissions from 3 submitters: Uncertain significance (3). Last evaluated 2025-06-08.

gnomAD v4.1: 10 of 1,563,028 alleles (0.00064%); highest among the groups gnomAD compares: Non-Finnish European, 0.00078%; no homozygotes.

Submissions (3):

Ambry Genetics
Classification: Uncertain significance. Last evaluated: 2025-06-08. Review status: criteria provided, single submitter. Criteria: Ambry Variant Classification Scheme 2023. Collection method: clinical testing. Allele origin: germline.

Labcorp Genetics (formerly Invitae), Labcorp
Classification: Uncertain significance. Last evaluated: 2025-05-19. Review status: criteria provided, single submitter. Criteria: Invitae Variant Classification Sherloc (09022015). Collection method: clinical testing. Allele origin: germline.
Comment: This sequence change replaces asparagine, which is neutral and polar, with serine, which is neutral and polar, at codon 245 of the GATA5 protein (p.Asn245Ser). This variant is not present in population databases (gnomAD no frequency). This variant has not been reported in the literature in individuals affected with GATA5-related conditions. ClinVar contains an entry for this variant (Variation ID: 3665497). Invitae Evidence Modeling of protein sequence and biophysical properties (such as structural, functional, and spatial information, amino acid conservation, physicochemical variation, residue mobility, and thermodynamic stability) indicates that this missense variant is expected to disrupt GATA5 protein function with a positive predictive value of 80%. In summary, the available evidence is currently insufficient to determine the role of this variant in disease. Therefore, it has been classified as a Variant of Uncertain Significance.

Blueprint Genetics
Classification: Uncertain significance. Last evaluated: 2024-07-11. Review status: criteria provided, single submitter. Criteria: ACMG Guidelines, 2015. Collection method: clinical testing. Allele origin: germline.

NM_080473.5(GATA5):c.734A>G (p.Asn245Ser)

Gene: GATA5 (GATA binding protein 5; minus strand). Cytogenetic location: 20q13.33.
Variant type: single nucleotide variant.
Coding change: c.734A>G on transcript NM_080473.5 (MANE Select); coding-DNA position 734, A replaced by G.
Protein change: p.Asn245Ser; replaces asparagine 245 with serine.
Molecular consequence: missense variant.
Genome position (GRCh38, 1-based): chr20:62,466,517, T>C on the plus strand (A>G on the coding strand, the complement: GATA5 is on the minus strand). VCF-style: chr20-62466517-T-C. GRCh37 (hg19) VCF-style: chr20-61041573-T-C.
Other names: c.734A>G (NM_080473.4); short protein forms N245S.
Identifiers: ClinVar variation 3665497 (VCV003665497.4).